The following is an entry in ClinVar:

ClinVar aggregate classification (germline): Uncertain significance (1 of 4 stars; one submission).

Submission:

Dasa
Classification: Uncertain significance. Last evaluated: 2026-01-27. Review status: criteria provided, single submitter. Criteria: DASA Assertion Criteria. Collection method: clinical testing. Allele origin: germline.
Comment: NM_007118.4(TRIO):c.7448del (p.Gly2483Alafs*44) is a frameshift variant in TRIO predicted to alter the reading frame and introduce a premature termination codon and is predicted to result in an absent or altered protein product. This variant is rare in population databases. The currently available literature and clinical evidence are not sufficient to establish a definitive association between this variant and the reported condition. Therefore, this variant is classified as a variant of uncertain significance.

NM_007118.4(TRIO):c.7448del (p.Gly2483fs)

Gene: TRIO (trio Rho guanine nucleotide exchange factor; plus strand). Cytogenetic location: 5p15.2.
Variant type: Deletion.
Coding change: c.7448del on transcript NM_007118.4 (MANE Select); coding-DNA position 7448, one base deleted (G; older notation c.7448delG).
Protein change: p.Gly2483fs; shifts the reading frame from glycine 2483.
Molecular consequence: frameshift variant.
Genome position (GRCh38, 1-based): chr5:14,488,076, G deleted; the last of 6 consecutive G bases (chr5:14,488,071-14,488,076); deleting any one gives the same sequence. VCF-style (leftmost placement, unchanged base first): chr5-14488070-AG-A. GRCh37 (hg19) VCF-style: chr5-14488179-AG-A.
Other names: short protein forms G2483fs.
Identifiers: ClinVar variation 4883857 (VCV004883857.2).